The following is an entry in ClinVar:

ClinVar aggregate classification (germline): Benign. Review status: criteria provided, multiple submitters, no conflicts (2 of 4 stars). 4 submissions from 4 submitters: Benign (4). Last evaluated 2026-02-04.

Conditions:
Autosomal recessive omodysplasia (OMOD1). Also called: MICROMELIC DYSPLASIA, CONGENITAL, WITH DISLOCATION OF RADIUS. Identifiers: Orphanet 2733, Orphanet 93329, MedGen C1850318, MONDO:0009779, OMIM 258315.

Allele frequency attached by ClinVar (database versions not stated): ESP Exome Variant Server 0.09642; gnomAD 0.09700 and 0.10346; TOPMed 0.10008; gnomAD exomes 0.10494 and 0.11434; ExAC 0.11867; 1000 Genomes Project 0.15954; 1000 Genomes Project 30x 0.16052.
gnomAD v4.1: 168,941 of 1,614,038 alleles (10%); highest among the groups gnomAD compares: East Asian, 25%; 10,269 homozygotes.

Submissions (4):

Labcorp Genetics (formerly Invitae), Labcorp
Classification: Benign. Last evaluated: 2026-02-04. Review status: criteria provided, single submitter. Criteria: Invitae Variant Classification Sherloc (09022015). Collection method: clinical testing. Allele origin: germline.

GeneDx
Classification: Benign. Last evaluated: 2021-05-04. Review status: criteria provided, single submitter. Criteria: GeneDx Variant Classification Process June 2021. Collection method: clinical testing. Allele origin: germline. Affected: yes.

Illumina Laboratory Services, Illumina
Classification: Benign for Autosomal recessive omodysplasia. Last evaluated: 2018-01-12. Review status: criteria provided, single submitter. Criteria: ICSL Variant Classification Criteria 13 December 2019. Collection method: clinical testing. Allele origin: germline.
Comment: This variant was observed in the ICSL laboratory as part of a predisposition screen in an ostensibly healthy population. It had not been previously curated by ICSL or reported in the Human Gene Mutation Database (HGMD: prior to June 1st, 2018), and was therefore a candidate for classification through an automated scoring system. Utilizing variant allele frequency, disease prevalence and penetrance estimates, and inheritance mode, an automated score was calculated to assess if this variant is too frequent to cause the disease. Based on the score and internal cut-off values, a variant classified as benign is not then subjected to further curation. The score for this variant resulted in a classification of benign for this disease.

Breakthrough Genomics
Classification: Benign. Review status: criteria provided, single submitter. Criteria: ACMG Guidelines, 2015. Collection method: not provided. Allele origin: germline. Inheritance: Autosomal recessive inheritance. Affected: yes.

NM_005708.5(GPC6):c.1248G>A (p.Thr416=)

Gene: GPC6 (glypican 6; plus strand). Cytogenetic location: 13q31.3.
Variant type: single nucleotide variant.
Coding change: c.1248G>A on transcript NM_005708.5 (MANE Select); coding-DNA position 1248, G replaced by A.
Protein change: p.Thr416=; no amino-acid change (threonine 416 retained).
Molecular consequence: synonymous variant.
Genome position (GRCh38, 1-based): chr13:94,382,509, G>A. VCF-style: chr13-94382509-G-A. GRCh37 (hg19) VCF-style: chr13-95034763-G-A.
Identifiers: ClinVar variation 312548 (VCV000312548.15), dbSNP rs2274020, ClinGen allele CA7017131.
Genomic context (GRCh38, chr13:94,382,509, plus strand): 5'-AAAGGTCTGGTCAGCATTACCCTACACTATCTGCAAGGACGAGAGCGTGACAGCGGGCAC[G>A]TCCAACGAGGAGGAATGCTGGAACGGGCACAGCAAAGCCAGGTGAGGGTGACTCGATGTG-3'
Protein context (NP_005699.1, residues 406-426): ICKDESVTAG[Thr416=]SNEEECWNGH